The following is an entry in ClinVar:

ClinVar aggregate classification (germline): Uncertain significance. Review status: criteria provided, multiple submitters, no conflicts (2 of 4 stars). 2 submissions from 2 submitters: Uncertain significance (2). Last evaluated 2025-10-23.

Conditions:
Long QT syndrome (LQTS). Identifiers: MedGen C0023976, MeSH D008133, MONDO:0002442. Disease mechanism: loss of function. Inheritance: Various modes of inheritance.
Cardiovascular phenotype. Identifiers: MedGen CN230736.

Allele frequency attached by ClinVar (database versions not stated): gnomAD exomes below 0.00001; TOPMed below 0.00001.
gnomAD v4.1: 3 of 1,600,654 alleles (0.00019%); highest among the groups gnomAD compares: African/African-American, 0.0027%; no homozygotes.

Submissions (2):

Ambry Genetics
Classification: Uncertain significance for Cardiovascular phenotype. Last evaluated: 2025-10-23. Review status: criteria provided, single submitter. Criteria: Ambry Variant Classification Scheme 2023. Collection method: clinical testing. Allele origin: germline.
Comment: The p.N777S variant (also known as c.2330A>G), located in coding exon 8 of the AKAP9 gene, results from an A to G substitution at nucleotide position 2330. The asparagine at codon 777 is replaced by serine, an amino acid with highly similar properties. This amino acid position is conserved. In addition, this alteration is predicted to be tolerated by in silico analysis. Based on the available evidence, the clinical significance of this variant remains unclear.

Labcorp Genetics (formerly Invitae), Labcorp
Classification: Uncertain significance for Long QT syndrome. Last evaluated: 2024-04-09. Review status: criteria provided, single submitter. Criteria: Invitae Variant Classification Sherloc (09022015). Collection method: clinical testing. Allele origin: germline.
Comment: This sequence change replaces asparagine, which is neutral and polar, with serine, which is neutral and polar, at codon 777 of the AKAP9 protein (p.Asn777Ser). This variant is not present in population databases (gnomAD no frequency). This variant has not been reported in the literature in individuals affected with AKAP9-related conditions. An algorithm developed to predict the effect of missense changes on protein structure and function (PolyPhen-2) suggests that this variant is likely to be disruptive. In summary, the available evidence is currently insufficient to determine the role of this variant in disease. Therefore, it has been classified as a Variant of Uncertain Significance.

NM_005751.5(AKAP9):c.2330A>G (p.Asn777Ser)

Gene: AKAP9 (A-kinase anchoring protein 9; plus strand). Cytogenetic location: 7q21.2.
Variant type: single nucleotide variant.
Coding change: c.2330A>G on transcript NM_005751.5 (MANE Select); coding-DNA position 2330, A replaced by G.
Protein change: p.Asn777Ser; replaces asparagine 777 with serine.
Molecular consequence: missense variant.
Genome position (GRCh38, 1-based): chr7:92,002,247, A>G. VCF-style: chr7-92002247-A-G. GRCh37 (hg19) VCF-style: chr7-91631561-A-G.
Other names: c.2330A>G, p.Asn777Ser (NM_147185.3); short protein forms N777S.
Identifiers: ClinVar variation 2905202 (VCV002905202.4), dbSNP rs1258121574, ClinGen allele CA368123869.